The following is an entry in ClinVar:

NM_001130144.3(LTBP3):c.505C>G (p.Leu169Val)

Gene: LTBP3 (latent transforming growth factor beta binding protein 3; minus strand). Cytogenetic location: 11q13.1.
Variant type: single nucleotide variant.
Coding change: c.505C>G on transcript NM_001130144.3 (MANE Select); coding-DNA position 505, C replaced by G.
Protein change: p.Leu169Val; replaces leucine 169 with valine.
Molecular consequence: missense variant.
Genome position (GRCh38, 1-based): chr11:65,554,207, G>C on the plus strand (C>G on the coding strand, the complement: LTBP3 is on the minus strand). VCF-style: chr11-65554207-G-C. GRCh37 (hg19) VCF-style: chr11-65321678-G-C.
Other names: c.154C>G, p.Leu52Val (NM_001164266.1); c.505C>G, p.Leu169Val (NM_021070.4); short protein forms L169V, L52V.
Identifiers: ClinVar variation 3233183 (VCV003233183.1), dbSNP rs2496178032, ClinGen allele CA381276493.

ClinVar aggregate classification (germline): Uncertain significance (1 of 4 stars; one submission).

Conditions:
Inborn genetic diseases. Identifiers: MedGen C0950123, MeSH D030342.

Submission:

Ambry Genetics
Classification: Uncertain significance for Inborn genetic diseases. Last evaluated: 2023-11-01. Review status: criteria provided, single submitter. Criteria: Ambry Variant Classification Scheme 2023. Collection method: clinical testing. Allele origin: germline.
Comment: The p.L169V variant (also known as c.505C>G), located in coding exon 2 of the LTBP3 gene, results from a C to G substitution at nucleotide position 505. The leucine at codon 169 is replaced by valine, an amino acid with highly similar properties. This amino acid position is conserved. In addition, this alteration is predicted to be tolerated by in silico analysis. Since supporting evidence is limited at this time, the clinical significance of this alteration remains unclear.